The following is an entry in ClinVar:

NM_001029896.2(WDR45):c.364C>T (p.Arg122Cys)

Gene: WDR45 (WD repeat domain 45; minus strand). Cytogenetic location: Xp11.23.
Variant type: single nucleotide variant.
Coding change: c.364C>T on transcript NM_001029896.2 (MANE Select); coding-DNA position 364, C replaced by T.
Protein change: p.Arg122Cys; replaces arginine 122 with cysteine.
Molecular consequence: missense variant.
Genome position (GRCh38, 1-based): chrX:49,076,502, G>A on the plus strand (C>T on the coding strand, the complement: WDR45 is on the minus strand). VCF-style: chrX-49076502-G-A. GRCh37 (hg19) VCF-style: chrX-48934161-G-A.
Other names: c.367C>T, p.Arg123Cys (NM_007075.4); short protein forms R123C, R122C.
Identifiers: ClinVar variation 473121 (VCV000473121.8), dbSNP rs782643042, ClinGen allele CA10408544.

ClinVar aggregate classification (germline): Uncertain significance (1 of 4 stars; one submission).

Conditions:
Neurodegeneration with brain iron accumulation 5 (NBIA5). Also called: Beta-propeller protein-associated neurodegeneration; STATIC ENCEPHALOPATHY OF CHILDHOOD WITH NEURODEGENERATION IN ADULTHOOD. Identifiers: Orphanet 329284, MedGen C3550973, MONDO:0010476, OMIM 300894.

Allele frequency attached by ClinVar (database versions not stated): ExAC 0.00001.

Submission:

Labcorp Genetics (formerly Invitae), Labcorp
Classification: Uncertain significance for Neurodegeneration with brain iron accumulation 5. Last evaluated: 2024-05-20. Review status: criteria provided, single submitter. Criteria: Invitae Variant Classification Sherloc (09022015). Collection method: clinical testing. Allele origin: germline.
Comment: This sequence change replaces arginine, which is basic and polar, with cysteine, which is neutral and slightly polar, at codon 123 of the WDR45 protein (p.Arg123Cys). This variant is present in population databases (rs782643042, gnomAD 0.001%). This variant has not been reported in the literature in individuals affected with WDR45-related conditions. ClinVar contains an entry for this variant (Variation ID: 473121). Advanced modeling of protein sequence and biophysical properties (such as structural, functional, and spatial information, amino acid conservation, physicochemical variation, residue mobility, and thermodynamic stability) performed at Invitae indicates that this missense variant is not expected to disrupt WDR45 protein function with a negative predictive value of 80%. In summary, the available evidence is currently insufficient to determine the role of this variant in disease. Therefore, it has been classified as a Variant of Uncertain Significance.